The following is an entry in ClinVar:

ClinVar aggregate classification (germline): Uncertain significance (1 of 4 stars; one submission).

Conditions:
Familial thoracic aortic aneurysm and aortic dissection (TAAD). Also called: Thoracic aortic aneurysms and dissections. Identifiers: Orphanet 91387, MedGen C4707243, MONDO:0019625.

gnomAD v4.1: 2 of 1,611,258 alleles (0.00012%); highest among the groups gnomAD compares: Non-Finnish European, 0.00017%; no homozygotes.

Submission:

Ambry Genetics
Classification: Uncertain significance for Familial thoracic aortic aneurysm and aortic dissection. Last evaluated: 2025-06-07. Review status: criteria provided, single submitter. Criteria: Ambry Variant Classification Scheme 2023. Collection method: clinical testing. Allele origin: germline.
Comment: The p.K106E variant (also known as c.316A>G), located in coding exon 2 of the PRKG1 gene, results from an A to G substitution at nucleotide position 316. The lysine at codon 106 is replaced by glutamic acid, an amino acid with similar properties. This amino acid position is conserved. In addition, this alteration is predicted to be deleterious by in silico analysis. Based on the available evidence, the clinical significance of this variant remains unclear.

NM_006258.4(PRKG1):c.316A>G (p.Lys106Glu)

Gene: PRKG1 (protein kinase cGMP-dependent 1; plus strand). Cytogenetic location: 10q21.1.
Variant type: single nucleotide variant.
Coding change: c.316A>G on transcript NM_006258.4 (MANE Select); coding-DNA position 316, A replaced by G.
Protein change: p.Lys106Glu; replaces lysine 106 with glutamic acid.
Molecular consequence: missense variant.
Genome position (GRCh38, 1-based): chr10:51,153,168, A>G. VCF-style: chr10-51153168-A-G. GRCh37 (hg19) VCF-style: chr10-52912928-A-G.
Other names: c.271A>G, p.Lys91Glu (NM_001098512.3); c.316A>G, p.Lys106Glu (NM_001374782.1); short protein forms K91E, K106E.
Identifiers: ClinVar variation 3938227 (VCV003938227.1).